The following is an entry in ClinVar:

NM_201384.3(PLEC):c.1400G>T (p.Gly467Val)

Gene: PLEC (plectin; minus strand). Cytogenetic location: 8q24.3.
Variant type: single nucleotide variant.
Coding change: c.1400G>T on transcript NM_201384.3 (MANE Select); coding-DNA position 1400, G replaced by T.
Protein change: p.Gly467Val; replaces glycine 467 with valine.
Molecular consequence: missense variant.
Genome position (GRCh38, 1-based): chr8:143,933,215, C>A on the plus strand (G>T on the coding strand, the complement: PLEC is on the minus strand). VCF-style: chr8-143933215-C-A. GRCh37 (hg19) VCF-style: chr8-145007383-C-A.
Other names: c.1481G>T, p.Gly494Val (NM_000445.5, NM_001410941.1); c.1358G>T, p.Gly453Val (NM_201378.4); c.1334G>T, p.Gly445Val (NM_201379.3); c.1811G>T, p.Gly604Val (NM_201380.4); c.1304G>T, p.Gly435Val (NM_201381.3); c.1400G>T, p.Gly467Val (NM_201382.4); c.1412G>T, p.Gly471Val (NM_201383.3); short protein forms G435V, G445V, G453V, G467V, G471V, G494V, G604V.
Identifiers: ClinVar variation 3752972 (VCV003752972.2).

ClinVar aggregate classification (germline): Uncertain significance (1 of 4 stars; one submission).

Conditions:
Epidermolysis bullosa simplex with nail dystrophy (EBS5D). Identifiers: MedGen C4225309, MONDO:0014661, OMIM 616487.
Epidermolysis bullosa simplex, Ogna type (EBS5A). Also called: Pidermolysis bullosa simplex 5A, Ogna type; EPIDERMOLYSIS BULLOSA SIMPLEX 5A, OGNA TYPE. Identifiers: Orphanet 79401, MedGen C0432317, MONDO:0007555, OMIM 131950.
Autosomal recessive limb-girdle muscular dystrophy type 2Q (LGMDR17). Also called: MUSCULAR DYSTROPHY, LIMB-GIRDLE, AUTOSOMAL RECESSIVE 17. Identifiers: Orphanet 254361, MedGen C3150989, MONDO:0013390, OMIM 613723.
Epidermolysis bullosa simplex 5B, with muscular dystrophy (EBS5B). Also called: EPIDERMOLYSIS BULLOSA SIMPLEX AND LIMB-GIRDLE MUSCULAR DYSTROPHY; Epidermolysis bullosa simplex with muscular dystrophy. Identifiers: Orphanet 257, MedGen C2931072, MONDO:0009181, OMIM 226670.
Epidermolysis bullosa simplex 5C, with pyloric atresia (EBS5C). Also called: PLEC-Related Epidermolysis Bullosa with Pyloric Atresia; Epidermolysis bullosa simplex with pyloric atresia; PLEC1-Related Epidermolysis Bullosa with Pyloric Atresia. Identifiers: Orphanet 158684, MedGen C2677349, MONDO:0012807, OMIM 612138.

gnomAD v4.1: 1 of 1,612,710 alleles (0.000062%); highest among the groups gnomAD compares: African/African-American, 0.0013%; no homozygotes.

Submission:

Labcorp Genetics (formerly Invitae), Labcorp
Classification: Uncertain significance for Autosomal recessive limb-girdle muscular dystrophy type 2Q; Epidermolysis bullosa simplex, Ogna type; Epidermolysis bullosa simplex with nail dystrophy; Epidermolysis bullosa simplex 5C, with pyloric atresia; Epidermolysis bullosa simplex 5B, with muscular dystrophy. Last evaluated: 2024-12-03. Review status: criteria provided, single submitter. Criteria: Invitae Variant Classification Sherloc (09022015). Collection method: clinical testing. Allele origin: germline.
Comment: This sequence change replaces glycine, which is neutral and non-polar, with valine, which is neutral and non-polar, at codon 494 of the PLEC protein (p.Gly494Val). This variant is not present in population databases (gnomAD no frequency). This variant has not been reported in the literature in individuals affected with PLEC-related conditions. Experimental studies and prediction algorithms are not available or were not evaluated, and the functional significance of this variant is currently unknown. In summary, the available evidence is currently insufficient to determine the role of this variant in disease. Therefore, it has been classified as a Variant of Uncertain Significance.